The following is an entry in ClinVar:

NM_032383.5(HPS3):c.2851G>A (p.Gly951Arg)

Genes: CP (ceruloplasmin; minus strand), HPS3 (HPS3 biogenesis of lysosomal organelles complex 2 subunit 1; plus strand). Cytogenetic location: 3q24.
Variant type: single nucleotide variant.
Coding change: c.2851G>A on transcript NM_032383.5 (MANE Select); coding-DNA position 2851, G replaced by A.
Protein change: p.Gly951Arg; replaces glycine 951 with arginine.
Molecular consequence: missense variant.
Genome position (GRCh38, 1-based): chr3:149,167,947, G>A. VCF-style: chr3-149167947-G-A. GRCh37 (hg19) VCF-style: chr3-148885734-G-A.
Other names: c.2356G>A, p.Gly786Arg (NM_001308258.2); short protein forms G786R, G951R.
Identifiers: ClinVar variation 1972266 (VCV001972266.2), dbSNP rs371658926, ClinGen allele CA85518605.

ClinVar aggregate classification (germline): Uncertain significance (1 of 4 stars; one submission).

Allele frequency attached by ClinVar (database versions not stated): TOPMed 0.00001; gnomAD 0.00002; ESP Exome Variant Server 0.00008.

Submission:

Labcorp Genetics (formerly Invitae), Labcorp
Classification: Uncertain significance. Last evaluated: 2022-04-08. Review status: criteria provided, single submitter. Criteria: Invitae Variant Classification Sherloc (09022015). Collection method: clinical testing. Allele origin: germline.
Comment: This sequence change replaces glycine, which is neutral and non-polar, with arginine, which is basic and polar, at codon 951 of the HPS3 protein (p.Gly951Arg). This variant is not present in population databases (gnomAD no frequency). This variant has not been reported in the literature in individuals affected with HPS3-related conditions. Algorithms developed to predict the effect of missense changes on protein structure and function are either unavailable or do not agree on the potential impact of this missense change (SIFT: "Tolerated"; PolyPhen-2: "Probably Damaging"; Align-GVGD: "Class C0"). In summary, the available evidence is currently insufficient to determine the role of this variant in disease. Therefore, it has been classified as a Variant of Uncertain Significance.